The following is an entry in ClinVar:

ClinVar aggregate classification (germline): Uncertain significance (1 of 4 stars; one submission).

Conditions:
Long QT syndrome (LQTS). Identifiers: MedGen C0023976, MeSH D008133, MONDO:0002442. Disease mechanism: loss of function. Inheritance: Various modes of inheritance.

Submission:

Labcorp Genetics (formerly Invitae), Labcorp
Classification: Uncertain significance for Long QT syndrome. Last evaluated: 2025-10-23. Review status: criteria provided, single submitter. Criteria: Invitae Variant Classification Sherloc (09022015). Collection method: clinical testing. Allele origin: germline.
Comment: This sequence change replaces methionine, which is neutral and non-polar, with lysine, which is basic and polar, at codon 1476 of the CACNA1C protein (p.Met1476Lys). This variant is not present in population databases (gnomAD no frequency). This missense change has been observed in individual(s) with long QT syndrome (internal data). Invitae Evidence Modeling of protein sequence and biophysical properties (such as structural, functional, and spatial information, amino acid conservation, physicochemical variation, residue mobility, and thermodynamic stability) indicates that this missense variant is expected to disrupt CACNA1C protein function with a positive predictive value of 95%. This variant disrupts the p.Met1476 amino acid residue in CACNA1C. Other variant(s) that disrupt this residue have been observed in individuals with CACNA1C-related conditions (PMID: 32161207), which suggests that this may be a clinically significant amino acid residue. In summary, the available evidence is currently insufficient to determine the role of this variant in disease. Therefore, it has been classified as a Variant of Uncertain Significance.

Literature cited by the submitters: PubMed 32161207.

NM_000719.7(CACNA1C):c.4427T>A (p.Met1476Lys)

Gene: CACNA1C (calcium voltage-gated channel subunit alpha1 C; plus strand). Cytogenetic location: 12p13.33.
Variant type: single nucleotide variant.
Coding change: c.4427T>A on transcript NM_000719.7 (MANE Select); coding-DNA position 4427, T replaced by A.
Protein change: p.Met1476Lys; replaces methionine 1476 with lysine.
Molecular consequence: missense variant.
Genome position (GRCh38, 1-based): chr12:2,665,609, T>A. VCF-style: chr12-2665609-T-A. GRCh37 (hg19) VCF-style: chr12-2774775-T-A.
Other names: c.4493T>A, p.Met1498Lys (NM_001129829.2); c.4427T>A, p.Met1476Lys (NM_001129830.3, NM_001129833.2, NM_001129834.2 and 7 more transcripts); c.4511T>A, p.Met1504Lys (NM_001129831.2); c.4487T>A, p.Met1496Lys (NM_001129832.2); c.4478T>A, p.Met1493Lys (NM_001129836.2); c.4394T>A, p.Met1465Lys (NM_001129837.2, NM_001167625.2, NM_001129838.2 and 1 more transcripts); c.4571T>A, p.Met1524Lys (NM_199460.4, NM_001129827.2); c.4388T>A, p.Met1463Lys (NM_001129839.2); and 1 more; short protein forms M1463K, M1476K, M1496K, M1493K, M1498K, M1465K, M1504K, M1473K.
Identifiers: ClinVar variation 4762631 (VCV004762631.1).